The following is an entry in ClinVar:

ClinVar aggregate classification (germline): Likely pathogenic (1 of 4 stars; one submission).

Submission:

Labcorp Genetics (formerly Invitae), Labcorp
Classification: Likely pathogenic. Last evaluated: 2023-09-25. Review status: criteria provided, single submitter. Criteria: Invitae Variant Classification Sherloc (09022015). Collection method: clinical testing. Allele origin: germline.
Comment: In summary, the currently available evidence indicates that the variant is pathogenic, but additional data are needed to prove that conclusively. Therefore, this variant has been classified as Likely Pathogenic. Algorithms developed to predict the effect of sequence changes on RNA splicing suggest that this variant may disrupt the consensus splice site. This variant has not been reported in the literature in individuals affected with SZT2-related conditions. This variant is not present in population databases (gnomAD no frequency). This sequence change affects a donor splice site in intron 30 of the SZT2 gene. It is expected to disrupt RNA splicing. Variants that disrupt the donor or acceptor splice site typically lead to a loss of protein function (PMID: 16199547), and loss-of-function variants in SZT2 are known to be pathogenic (PMID: 23932106, 27248490, 28556953).

Literature cited by the submitters: PubMed 16199547; PubMed 23932106; PubMed 27248490; PubMed 28556953.

NM_001365999.1(SZT2):c.4480+1G>T

Gene: SZT2 (SZT2 subunit of KICSTOR complex; plus strand). Cytogenetic location: 1p34.2.
Variant type: single nucleotide variant.
Coding change: c.4480+1G>T on transcript NM_001365999.1 (MANE Select); the canonical splice donor site of the intron after coding-DNA position 4480, G replaced by T.
Molecular consequence: splice donor variant.
Genome position (GRCh38, 1-based): chr1:43,430,390, G>T. VCF-style: chr1-43430390-G-T. GRCh37 (hg19) VCF-style: chr1-43896061-G-T.
Other names: c.4309+1G>T (NM_015284.4).
Identifiers: ClinVar variation 2763196 (VCV002763196.3), dbSNP rs2545826394, ClinGen allele CA340021468.